The following is an entry in ClinVar:

NM_004304.5(ALK):c.310C>A (p.Pro104Thr)

Gene: ALK (ALK receptor tyrosine kinase; minus strand). Cytogenetic location: 2p23.1.
Variant type: single nucleotide variant.
Coding change: c.310C>A on transcript NM_004304.5 (MANE Select); coding-DNA position 310, C replaced by A.
Protein change: p.Pro104Thr; replaces proline 104 with threonine.
Molecular consequence: missense variant.
Genome position (GRCh38, 1-based): chr2:29,920,350, G>T on the plus strand (C>A on the coding strand, the complement: ALK is on the minus strand). VCF-style: chr2-29920350-G-T. GRCh37 (hg19) VCF-style: chr2-30143216-G-T.
Other names: short protein forms P104T.
Identifiers: ClinVar variation 335716 (VCV000335716.19), dbSNP rs576431612, ClinGen allele CA1595007.

ClinVar aggregate classification (germline): Conflicting classifications of pathogenicity. Review status: criteria provided, conflicting classifications (1 of 4 stars). 4 submissions from 4 submitters: Uncertain significance (3); Likely benign (1). Last evaluated 2025-12-14.

Conditions:
Neuroblastoma, susceptibility to, 3. Also called: ALK-Related Neuroblastic Tumor Susceptibility. Identifiers: Orphanet 635, MedGen C2751681, MONDO:0013083, OMIM 613014.
Hereditary cancer-predisposing syndrome. Also called: Tumor predisposition; Hereditary neoplastic syndrome; Hereditary Cancer Syndrome; Neoplastic Syndromes, Hereditary. Identifiers: Orphanet 140162, MedGen C0027672, MeSH D009386, MONDO:0015356.

Allele frequency attached by ClinVar (database versions not stated): TOPMed 0.00002.
gnomAD v4.1: 23 of 1,552,024 alleles (0.0015%); highest among the groups gnomAD compares: Admixed American, 0.035%; no homozygotes.

Submissions (4):

Labcorp Genetics (formerly Invitae), Labcorp
Classification: Uncertain significance for Neuroblastoma, susceptibility to, 3. Last evaluated: 2025-12-14. Review status: criteria provided, single submitter. Criteria: Invitae Variant Classification Sherloc (09022015). Collection method: clinical testing. Allele origin: germline.
Comment: This sequence change replaces proline, which is neutral and non-polar, with threonine, which is neutral and polar, at codon 104 of the ALK protein (p.Pro104Thr). This variant is present in population databases (rs576431612, gnomAD 0.05%), and has an allele count higher than expected for a pathogenic variant. This variant has not been reported in the literature in individuals affected with ALK-related conditions. ClinVar contains an entry for this variant (Variation ID: 335716). An algorithm developed to predict the effect of missense changes on protein structure and function (PolyPhen-2) suggests that this variant is likely to be tolerated. In summary, the available evidence is currently insufficient to determine the role of this variant in disease. Therefore, it has been classified as a Variant of Uncertain Significance.

GeneDx
Classification: Uncertain significance. Last evaluated: 2025-06-20. Review status: criteria provided, single submitter. Criteria: GeneDx Variant Classification Process June 2021. Collection method: clinical testing. Allele origin: germline.
Comment: In silico analysis suggests that this missense variant does not alter protein structure/function; Has not been previously published as pathogenic or benign to our knowledge

Ambry Genetics
Classification: Likely benign for Hereditary cancer-predisposing syndrome. Last evaluated: 2022-04-07. Review status: criteria provided, single submitter. Criteria: Ambry Variant Classification Scheme 2023. Collection method: clinical testing. Allele origin: germline.

Illumina Laboratory Services, Illumina
Classification: Uncertain significance for Neuroblastoma, susceptibility to, 3. Last evaluated: 2018-01-13. Review status: criteria provided, single submitter. Criteria: ICSL Variant Classification Criteria 13 December 2019. Collection method: clinical testing. Allele origin: germline.